The following is an entry in ClinVar:

ClinVar aggregate classification (germline): Uncertain significance. Review status: criteria provided, multiple submitters, no conflicts (2 of 4 stars). 4 submissions from 4 submitters: Uncertain significance (4). Last evaluated 2025-05-27.

Conditions:
Fanconi anemia (FA). Also called: Fanconi's anemia. Identifiers: Orphanet 84, MedGen C0015625, MeSH D005199, MONDO:0019391.
Fanconi anemia complementation group I (FANCI). Also called: FANCI-Related Fanconi Anemia. Identifiers: Orphanet 84, MedGen C1836861, MONDO:0012186, OMIM 609053.

Allele frequency attached by ClinVar (database versions not stated): gnomAD 0.00013 and 0.00012; gnomAD exomes 0.00010; 1000 Genomes Project 30x 0.00031; 1000 Genomes Project 0.00040; ExAC 0.00007; TOPMed 0.00017.
gnomAD v4.1: 87 of 1,614,176 alleles (0.0054%); highest among the groups gnomAD compares: Middle Eastern, 0.082%; no homozygotes.

Submissions (4):

Dasa
Classification: Uncertain significance. Last evaluated: 2025-05-27. Review status: criteria provided, single submitter. Criteria: DASA Assertion Criteria. Collection method: clinical testing. Allele origin: germline.
Comment: NM_001113378.2(FANCI):c.3473G>T (p.Cys1158Phe) is a missense variant that results in the substitution of cysteine with phenylalanine. This variant is rare in population databases. Computational prediction algorithms are consistent with a deleterious effect. The currently available literature and clinical evidence are not sufficient to establish a definitive association between this variant and the reported condition. Therefore, this variant is classified as a variant of uncertain significance.

Labcorp Genetics (formerly Invitae), Labcorp
Classification: Uncertain significance for Fanconi anemia. Last evaluated: 2024-07-01. Review status: criteria provided, single submitter. Criteria: Invitae Variant Classification Sherloc (09022015). Collection method: clinical testing. Allele origin: germline.
Comment: This sequence change replaces cysteine, which is neutral and slightly polar, with phenylalanine, which is neutral and non-polar, at codon 1158 of the FANCI protein (p.Cys1158Phe). This variant is present in population databases (rs199502679, gnomAD 0.05%). This variant has not been reported in the literature in individuals affected with FANCI-related conditions. ClinVar contains an entry for this variant (Variation ID: 456216). An algorithm developed to predict the effect of missense changes on protein structure and function (PolyPhen-2) suggests that this variant is likely to be disruptive. In summary, the available evidence is currently insufficient to determine the role of this variant in disease. Therefore, it has been classified as a Variant of Uncertain Significance.

Fulgent Genetics
Classification: Uncertain significance for Fanconi anemia complementation group I. Last evaluated: 2024-06-20. Review status: criteria provided, single submitter. Criteria: ACMG Guidelines, 2015. Collection method: clinical testing. Allele origin: germline.

Breakthrough Genomics
Classification: Uncertain significance. Review status: criteria provided, single submitter. Criteria: ACMG Guidelines, 2015. Collection method: not provided. Allele origin: germline. Inheritance: Autosomal recessive inheritance. Affected: yes.

NM_001113378.2(FANCI):c.3473G>T (p.Cys1158Phe)

Gene: FANCI (FA complementation group I; plus strand). Cytogenetic location: 15q26.1.
Variant type: single nucleotide variant.
Coding change: c.3473G>T on transcript NM_001113378.2 (MANE Select); coding-DNA position 3473, G replaced by T.
Protein change: p.Cys1158Phe; replaces cysteine 1158 with phenylalanine.
Molecular consequence: missense variant.
Genome position (GRCh38, 1-based): chr15:89,306,130, G>T. VCF-style: chr15-89306130-G-T. GRCh37 (hg19) VCF-style: chr15-89849361-G-T.
Other names: c.3194G>T, p.Cys1065Phe (NM_001376910.1); c.3473G>T, p.Cys1158Phe (NM_001376911.1); c.3293G>T, p.Cys1098Phe (NM_018193.3); short protein forms C1158F, C1098F, C1065F.
Identifiers: ClinVar variation 456216 (VCV000456216.13), dbSNP rs199502679, ClinGen allele CA7723727.